The following is an entry in ClinVar:

NM_001384125.1(BLTP1):c.9953C>T (p.Pro3318Leu)

Gene: BLTP1 (bridge-like lipid transfer protein family member 1; plus strand). Cytogenetic location: 4q27.
Variant type: single nucleotide variant.
Coding change: c.9953C>T on transcript NM_001384125.1 (MANE Select); coding-DNA position 9953, C replaced by T.
Protein change: p.Pro3318Leu; replaces proline 3318 with leucine.
Molecular consequence: missense variant.
Genome position (GRCh38, 1-based): chr4:122,308,060, C>T. VCF-style: chr4-122308060-C-T. GRCh37 (hg19) VCF-style: chr4-123229215-C-T.
Other names: c.9953C>T, p.Pro3318Leu (NM_015312.4); short protein forms P3318L.
Identifiers: ClinVar variation 4077321 (VCV004077321.1).

ClinVar aggregate classification (germline): Uncertain significance (1 of 4 stars; one submission).

gnomAD v4.1: 1 of 1,613,484 alleles (0.000062%); no homozygotes.

Submission:

GeneDx
Classification: Uncertain significance. Last evaluated: 2025-03-01. Review status: criteria provided, single submitter. Criteria: GeneDx Variant Classification Process June 2021. Collection method: clinical testing. Allele origin: germline. Affected: yes.
Comment: Not observed at significant frequency in large population cohorts (gnomAD); In silico analysis supports that this missense variant has a deleterious effect on protein structure/function; Has not been previously published as pathogenic or benign to our knowledge